The following is an entry in ClinVar:

NM_173354.5(SIK1):c.753T>G (p.Cys251Trp)

Gene: SIK1 (salt inducible kinase 1; minus strand). Cytogenetic location: 21q22.3.
Variant type: single nucleotide variant.
Coding change: c.753T>G on transcript NM_173354.5 (MANE Select); coding-DNA position 753, T replaced by G.
Protein change: p.Cys251Trp; replaces cysteine 251 with tryptophan.
Molecular consequence: missense variant.
Genome position (GRCh38, 1-based): chr21:43,420,453, A>C on the plus strand (T>G on the coding strand, the complement: SIK1 is on the minus strand). VCF-style: chr21-43420453-A-C. GRCh37 (hg19) VCF-style: chr21-44840333-A-C.
Other names: short protein forms C251W.
Identifiers: ClinVar variation 1718654 (VCV001718654.6), dbSNP rs2516966921, ClinGen allele CA410609478.

ClinVar aggregate classification (germline): Uncertain significance (1 of 4 stars; one submission).

Conditions:
Developmental and epileptic encephalopathy, 30 (DEE30). Also called: Epileptic encephalopathy, early infantile, 30. Identifiers: MedGen C4225360, MONDO:0014595, OMIM 616341.

Submission:

Labcorp Genetics (formerly Invitae), Labcorp
Classification: Uncertain significance for Developmental and epileptic encephalopathy, 30. Last evaluated: 2022-09-02. Review status: criteria provided, single submitter. Criteria: Invitae Variant Classification Sherloc (09022015). Collection method: clinical testing. Allele origin: germline.
Comment: This variant is not present in population databases (gnomAD no frequency). This sequence change replaces cysteine, which is neutral and slightly polar, with tryptophan, which is neutral and slightly polar, at codon 251 of the SIK1 protein (p.Cys251Trp). This variant has not been reported in the literature in individuals affected with SIK1-related conditions. In summary, the available evidence is currently insufficient to determine the role of this variant in disease. Therefore, it has been classified as a Variant of Uncertain Significance. Advanced modeling of protein sequence and biophysical properties (such as structural, functional, and spatial information, amino acid conservation, physicochemical variation, residue mobility, and thermodynamic stability) performed at Invitae indicates that this missense variant is not expected to disrupt SIK1 protein function.